The following is an entry in ClinVar:

ClinVar aggregate classification (germline): Likely pathogenic (1 of 4 stars; one submission).

Submission:

Labcorp Genetics (formerly Invitae), Labcorp
Classification: Likely pathogenic. Last evaluated: 2023-03-13. Review status: criteria provided, single submitter. Criteria: Invitae Variant Classification Sherloc (09022015). Collection method: clinical testing. Allele origin: germline.
Comment: In summary, the currently available evidence indicates that the variant is pathogenic, but additional data are needed to prove that conclusively. Therefore, this variant has been classified as Likely Pathogenic. Algorithms developed to predict the effect of sequence changes on RNA splicing suggest that this variant may disrupt the consensus splice site. This variant has not been reported in the literature in individuals affected with ABCC2-related conditions. This variant is not present in population databases (gnomAD no frequency). This sequence change affects a donor splice site in intron 19 of the ABCC2 gene. It is expected to disrupt RNA splicing. Variants that disrupt the donor or acceptor splice site typically lead to a loss of protein function (PMID: 16199547), and loss-of-function variants in ABCC2 are known to be pathogenic (PMID: 9185779, 16549534, 16952291).

Literature cited by the submitters: PubMed 16199547; PubMed 9185779; PubMed 16549534; PubMed 16952291.

NM_000392.5(ABCC2):c.2620+2T>C

Gene: ABCC2 (ATP binding cassette subfamily C member 2; plus strand). Cytogenetic location: 10q24.2.
Variant type: single nucleotide variant.
Coding change: c.2620+2T>C on transcript NM_000392.5 (MANE Select); the canonical splice donor site of the intron after coding-DNA position 2620, T replaced by C.
Molecular consequence: splice donor variant.
Genome position (GRCh38, 1-based): chr10:99,819,271, T>C. VCF-style: chr10-99819271-T-C. GRCh37 (hg19) VCF-style: chr10-101579028-T-C.
Identifiers: ClinVar variation 2845348 (VCV002845348.3), dbSNP rs2492968753, ClinGen allele CA378119020.